The following is an entry in ClinVar:

ClinVar aggregate classification (germline): Benign/Likely benign. Review status: criteria provided, multiple submitters, no conflicts (2 of 4 stars). 2 submissions from 2 submitters: Benign (1); Likely benign (1). Last evaluated 2025-06-25.

Conditions:
JAG1-related disorder. Also called: JAG1-related disorders; JAG1-related condition.
Alagille syndrome due to a JAG1 point mutation. Also called: Alagille Syndrome 1; HEPATIC DUCTULAR HYPOPLASIA, SYNDROMATIC; JAG1-Related Alagille Syndrome. Identifiers: Orphanet 261619, Orphanet 52, MedGen C1956125, MONDO:0016862, OMIM 118450.

Allele frequency attached by ClinVar (database versions not stated): TOPMed 0.00001; gnomAD 0.00002; ExAC 0.00007; ESP Exome Variant Server 0.00008; 1000 Genomes Project 30x 0.00016; 1000 Genomes Project 0.00020.
gnomAD v4.1: 52 of 1,614,116 alleles (0.0032%); highest among the groups gnomAD compares: South Asian, 0.035%; no homozygotes.

Submissions (2):

PreventionGenetics, part of Exact Sciences
Classification: Likely benign for JAG1-related condition. Last evaluated: 2025-06-25. Review status: criteria provided, single submitter. Criteria: ACMG Guidelines, 2015. Collection method: clinical testing. Allele origin: germline.
Comment: This variant is classified as likely benign based on ACMG/AMP sequence variant interpretation guidelines (Richards et al. 2015 PMID: 25741868, with internal and published modifications).

Labcorp Genetics (formerly Invitae), Labcorp
Classification: Benign for Alagille syndrome due to a JAG1 point mutation. Last evaluated: 2025-02-25. Review status: criteria provided, single submitter. Criteria: Invitae Variant Classification Sherloc (09022015). Collection method: clinical testing. Allele origin: germline.

NM_000214.3(JAG1):c.2188A>G (p.Met730Val)

Gene: JAG1 (jagged canonical Notch ligand 1; minus strand). Cytogenetic location: 20p12.2.
Variant type: single nucleotide variant.
Coding change: c.2188A>G on transcript NM_000214.3 (MANE Select); coding-DNA position 2188, A replaced by G.
Protein change: p.Met730Val; replaces methionine 730 with valine.
Molecular consequence: missense variant.
Genome position (GRCh38, 1-based): chr20:10,645,182, T>C on the plus strand (A>G on the coding strand, the complement: JAG1 is on the minus strand). VCF-style: chr20-10645182-T-C. GRCh37 (hg19) VCF-style: chr20-10625830-T-C.
Other names: c.2188A>G (NM_000214.2); short protein forms M730V.
Identifiers: ClinVar variation 1972514 (VCV001972514.6), dbSNP rs143346449, ClinGen allele CA9764612.
Genomic context (GRCh38, chr20:10,645,182, plus strand): 5'-CCACGTGGGGCATAAAGTTACCTATGTTACAGGTTGTTCCTTCCCAGCCGCCAGGACACA[T>C]GCACTTAAAAGCATCCCCCTCATCATAGCAGGTGCCACCGTTGTTGCACGTGGCCTCATC-3'
Protein context (NP_000205.1, residues 720-740): CYDEGDAFKC[Met730Val]CPGGWEGTTC